The following is an entry in ClinVar:

NM_000355.4(TCN2):c.*382C>T

Gene: TCN2 (transcobalamin 2; plus strand). Cytogenetic location: 22q12.2.
Variant type: single nucleotide variant.
Coding change: c.*382C>T on transcript NM_000355.4 (MANE Select); 382 bases downstream of the stop codon, C replaced by T.
Molecular consequence: 3 prime UTR variant.
Genome position (GRCh38, 1-based): chr22:30,626,903, C>T. VCF-style: chr22-30626903-C-T. GRCh37 (hg19) VCF-style: chr22-31022890-C-T.
Other names: c.*382C>T (NM_001184726.2).
Identifiers: ClinVar variation 341225 (VCV000341225.6), dbSNP rs56076607, ClinGen allele CA10654033.
Genomic context (GRCh38, chr22:30,626,903, plus strand): 5'-GCAGGCCGCAGGTGTTGTGAAGACCACTCGTTCTGTGGTTGGGGTCCTGCAAGAAGGCCT[C>T]CTCAGCCCGGGGGCTATGGCCCTGACCCCAGCTCTCCACTCTGCTGTTAGAGTGGCAGCT-3'

ClinVar aggregate classification (germline): Benign. Review status: criteria provided, multiple submitters, no conflicts (2 of 4 stars). 2 submissions from 2 submitters: Benign (2). Last evaluated 2018-01-13.

Conditions:
Transcobalamin II deficiency (TCN2D). Also called: TC II DEFICIENCY; TCN2 DEFICIENCY; Transcolabamin II deficiency. Identifiers: Orphanet 859, MedGen C0342701, MONDO:0010149, OMIM 275350.

Allele frequency attached by ClinVar (database versions not stated): 1000 Genomes Project 0.01378; 1000 Genomes Project 30x 0.01390; TOPMed 0.01680; gnomAD 0.01715 and 0.01762.

Submissions (2):

Illumina Laboratory Services, Illumina
Classification: Benign for Transcobalamin II deficiency. Last evaluated: 2018-01-13. Review status: criteria provided, single submitter. Criteria: ICSL Variant Classification Criteria 13 December 2019. Collection method: clinical testing. Allele origin: germline.
Comment: This variant was observed in the ICSL laboratory as part of a predisposition screen in an ostensibly healthy population. It had not been previously curated by ICSL or reported in the Human Gene Mutation Database (HGMD: prior to June 1st, 2018), and was therefore a candidate for classification through an automated scoring system. Utilizing variant allele frequency, disease prevalence and penetrance estimates, and inheritance mode, an automated score was calculated to assess if this variant is too frequent to cause the disease. Based on the score and internal cut-off values, a variant classified as benign is not then subjected to further curation. The score for this variant resulted in a classification of benign for this disease.

Breakthrough Genomics
Classification: Benign. Review status: criteria provided, single submitter. Criteria: ACMG Guidelines, 2015. Collection method: not provided. Allele origin: germline. Inheritance: Autosomal recessive inheritance. Affected: yes.